The following is an entry in ClinVar:

ClinVar aggregate classification (germline): Uncertain significance (1 of 4 stars; one submission).

Conditions:
Hypertrophic cardiomyopathy 14. Identifiers: MedGen C2750467, MONDO:0013197, OMIM 613251.

Submission:

Labcorp Genetics (formerly Invitae), Labcorp
Classification: Uncertain significance for Hypertrophic cardiomyopathy 14. Last evaluated: 2023-03-08. Review status: criteria provided, single submitter. Criteria: Invitae Variant Classification Sherloc (09022015). Collection method: clinical testing. Allele origin: germline.
Comment: In summary, the available evidence is currently insufficient to determine the role of this variant in disease. Therefore, it has been classified as a Variant of Uncertain Significance. An algorithm developed to predict the effect of missense changes on protein structure and function (PolyPhen-2) suggests that this variant is likely to be tolerated. This variant has not been reported in the literature in individuals affected with MYH6-related conditions. This variant is not present in population databases (gnomAD no frequency). This sequence change replaces serine, which is neutral and polar, with alanine, which is neutral and non-polar, at codon 1602 of the MYH6 protein (p.Ser1602Ala).

NM_002471.4(MYH6):c.4804T>G (p.Ser1602Ala)

Genes: MYH6 (myosin heavy chain 6; minus strand), LOC126861896 (BRD4-independent group 4 enhancer GRCh37_chr14:23854904-23856103; plus strand). Cytogenetic location: 14q11.2.
Variant type: single nucleotide variant.
Coding change: c.4804T>G on transcript NM_002471.4 (MANE Select); coding-DNA position 4804, T replaced by G.
Protein change: p.Ser1602Ala; replaces serine 1602 with alanine.
Molecular consequence: missense variant.
Genome position (GRCh38, 1-based): chr14:23,386,470, A>C on the plus strand (T>G on the coding strand, the complement: MYH6 is on the minus strand). VCF-style: chr14-23386470-A-C. GRCh37 (hg19) VCF-style: chr14-23855679-A-C.
Other names: short protein forms S1602A.
Identifiers: ClinVar variation 2844017 (VCV002844017.3), dbSNP rs2502143693, ClinGen allele CA388991862.